The following is an entry in ClinVar:

ClinVar aggregate classification (germline): Uncertain significance (1 of 4 stars; one submission).

Allele frequency attached by ClinVar (database versions not stated): gnomAD exomes below 0.00001.
gnomAD v4.1: 2 of 1,614,148 alleles (0.00012%); highest among the groups gnomAD compares: South Asian, 0.0011%; no homozygotes.

Submission:

Labcorp Genetics (formerly Invitae), Labcorp
Classification: Uncertain significance. Last evaluated: 2023-04-24. Review status: criteria provided, single submitter. Criteria: Invitae Variant Classification Sherloc (09022015). Collection method: clinical testing. Allele origin: germline.
Comment: In summary, the available evidence is currently insufficient to determine the role of this variant in disease. Therefore, it has been classified as a Variant of Uncertain Significance. Advanced modeling of protein sequence and biophysical properties (such as structural, functional, and spatial information, amino acid conservation, physicochemical variation, residue mobility, and thermodynamic stability) performed at Invitae indicates that this missense variant is not expected to disrupt CPLANE1 protein function. This variant has not been reported in the literature in individuals affected with CPLANE1-related conditions. This variant is not present in population databases (gnomAD no frequency). This sequence change replaces proline, which is neutral and non-polar, with serine, which is neutral and polar, at codon 2226 of the CPLANE1 protein (p.Pro2226Ser).

NM_001384732.1(CPLANE1):c.6676C>T (p.Pro2226Ser)

Gene: CPLANE1 (ciliogenesis and planar polarity effector complex subunit 1; minus strand). Cytogenetic location: 5p13.2.
Variant type: single nucleotide variant.
Coding change: c.6676C>T on transcript NM_001384732.1 (MANE Select); coding-DNA position 6676, C replaced by T.
Protein change: p.Pro2226Ser; replaces proline 2226 with serine.
Molecular consequence: missense variant.
Genome position (GRCh38, 1-based): chr5:37,169,348, G>A on the plus strand (C>T on the coding strand, the complement: CPLANE1 is on the minus strand). VCF-style: chr5-37169348-G-A. GRCh37 (hg19) VCF-style: chr5-37169450-G-A.
Other names: c.6676C>T, p.Pro2226Ser (NM_023073.4); short protein forms P2226S.
Identifiers: ClinVar variation 2918314 (VCV002918314.3), dbSNP rs1779114720, ClinGen allele CA359480045.